The following is an entry in ClinVar:

NM_024496.4(IRF2BPL):c.2185C>A (p.Gln729Lys)

Gene: IRF2BPL (interferon regulatory factor 2 binding protein like; minus strand). Cytogenetic location: 14q24.3.
Variant type: single nucleotide variant.
Coding change: c.2185C>A on transcript NM_024496.4 (MANE Select); coding-DNA position 2185, C replaced by A.
Protein change: p.Gln729Lys; replaces glutamine 729 with lysine.
Molecular consequence: missense variant.
Genome position (GRCh38, 1-based): chr14:77,025,608, G>T on the plus strand (C>A on the coding strand, the complement: IRF2BPL is on the minus strand). VCF-style: chr14-77025608-G-T. GRCh37 (hg19) VCF-style: chr14-77491951-G-T.
Other names: short protein forms Q729K.
Identifiers: ClinVar variation 5009791 (VCV005009791.1).

ClinVar aggregate classification (germline): Uncertain significance (1 of 4 stars; one submission).

gnomAD v4.1: 1 of 1,597,398 alleles (0.000063%); highest among the groups gnomAD compares: Non-Finnish European, 0.000085%; no homozygotes.

Submission:

GeneDx
Classification: Uncertain significance. Last evaluated: 2026-03-01. Review status: criteria provided, single submitter. Criteria: GeneDx Variant Classification Process June 2021. Collection method: clinical testing. Allele origin: germline.
Comment: Not observed at significant frequency in large population cohorts (gnomAD); In silico analysis supports that this missense variant has a deleterious effect on protein structure/function; Has not been previously published as pathogenic or benign to our knowledge